The following is an entry in ClinVar:

ClinVar aggregate classification (germline): Pathogenic. Review status: criteria provided, multiple submitters, no conflicts (2 of 4 stars). 3 submissions from 3 submitters: Pathogenic (2). 1 of the submissions does not count toward it. Last evaluated 2024-12-02.

Conditions:
Neuropathy, congenital hypomyelinating, 3. Identifiers: MedGen C4748608, MONDO:0020766, OMIM 618186.
Arthrogryposis, distal, type 1A. Also called: ARTHROGRYPOSIS MULTIPLEX CONGENITA, DISTAL, TYPE I. Identifiers: Orphanet 1146, MedGen C6022280, MONDO:0007157, OMIM 108120.

Submissions (3):

GeneDx
Classification: Pathogenic. Last evaluated: 2024-12-02. Review status: criteria provided, single submitter. Criteria: GeneDx Variant Classification Process June 2021. Collection method: clinical testing. Allele origin: germline. Affected: yes.
Comment: Nonsense variant predicted to result in protein truncation or nonsense mediated decay in a gene for which loss of function is a known mechanism of disease; Not observed at significant frequency in large population cohorts (gnomAD); This variant is associated with the following publications: (PMID: 32214227, 32328110, 28374019)

Baylor Genetics
Classification: Pathogenic for Arthrogryposis, distal, type 1A. Last evaluated: 2017-09-01. Review status: criteria provided, single submitter. Criteria: ACMG Guidelines, 2015. Collection method: clinical testing. Allele origin: germline. Inheritance: Autosomal recessive inheritance. Affected: yes.
Comment: This nonsense mutation is categorized as deleterious according to ACMG guidelines (PMID:18414213).

Section for Clinical Neurogenetics, University of Tübingen
Classification: Pathogenic for Neuropathy, congenital hypomyelinating, 3. Last evaluated: 2019-08-01. Review status: no assertion criteria provided. Collection method: research. Allele origin: germline. Affected: yes. Not counted in ClinVar's aggregate classification.

Literature cited by the submitters: DOI 10.1007/s10897-014-9778-4 (cited by Baylor Genetics); PubMed 25326635 (cited by Baylor Genetics); PubMed 32214227 (cited by Section for Clinical Neurogenetics, University of Tübingen); PubMed 28374019 (cited by Section for Clinical Neurogenetics, University of Tübingen).

NM_003632.3(CNTNAP1):c.2015G>A (p.Trp672Ter)

Gene: CNTNAP1 (contactin associated protein 1; plus strand). Cytogenetic location: 17q21.2.
Variant type: single nucleotide variant.
Coding change: c.2015G>A on transcript NM_003632.3 (MANE Select); coding-DNA position 2015, G replaced by A.
Protein change: p.Trp672Ter; replaces tryptophan 672 with a stop codon.
Molecular consequence: nonsense.
Genome position (GRCh38, 1-based): chr17:42,690,898, G>A. VCF-style: chr17-42690898-G-A. GRCh37 (hg19) VCF-style: chr17-40842916-G-A.
Other names: short protein forms W672*.
Identifiers: ClinVar variation 560980 (VCV000560980.5), dbSNP rs1567973091, ClinGen allele CA399643369.